The following is an entry in ClinVar:

ClinVar aggregate classification (germline): Pathogenic (1 of 4 stars; one submission).

Conditions:
Ehlers-Danlos syndrome, dermatosparaxis type. Also called: EDS VIIC; Dermatosparaxis; Ehlers-Danlos syndrome, type VII, autosomal recessive. Identifiers: Orphanet 1901, MedGen C2700425, MONDO:0009161, OMIM 225410.

Submission:

Myriad Genetics, Inc.
Classification: Pathogenic for Ehlers-Danlos syndrome, dermatosparaxis type. Last evaluated: 2024-05-14. Review status: criteria provided, single submitter. Criteria: Myriad Autosomal Dominant, Autosomal Recessive and X-Linked Classification Criteria (2023). Collection method: clinical testing. Allele origin: unknown.
Comment: NM_014244.4(ADAMTS2):c.89_90ins14(P31Lfs*139) is expected to be pathogenic in the context of Ehlers-Danlos syndrome, ADAMTS2-related. This variant is predicted to lead to an abnormal or absent protein product due to the creation of a premature termination codon in ADAMTS2, a gene where loss-of-function variants are known to be pathogenic. Please note: this variant was assessed in the context of healthy population screening.

NM_014244.5(ADAMTS2):c.89_90insTCTTATACACATCT (p.Pro31fs)

Gene: ADAMTS2 (ADAM metallopeptidase with thrombospondin type 1 motif 2; minus strand). Cytogenetic location: 5q35.3.
Variant type: Insertion.
Coding change: c.89_90insTCTTATACACATCT on transcript NM_014244.5 (MANE Select); coding-DNA positions 89 to 90, TCTTATACACATCT inserted.
Protein change: p.Pro31fs; shifts the reading frame from proline 31.
Molecular consequence: frameshift variant.
Genome position: GRCh38 VCF-style: chr5-179345239-C-CAGATGTGTATAAGA. GRCh37 (hg19) VCF-style: chr5-178772240-C-CAGATGTGTATAAGA.
Other names: c.89_90insTCTTATACACATCT, p.Pro31fs (NM_021599.4); short protein forms P31fs.
Identifiers: ClinVar variation 5010680 (VCV005010680.1).